The following is an entry in ClinVar:

ClinVar aggregate classification (germline): Uncertain significance (1 of 4 stars; one submission).

gnomAD v4.1: 11 of 1,545,232 alleles (0.00071%); highest among the groups gnomAD compares: Non-Finnish European, 0.00096%; no homozygotes.

Submission:

Labcorp Genetics (formerly Invitae), Labcorp
Classification: Uncertain significance. Last evaluated: 2024-08-22. Review status: criteria provided, single submitter. Criteria: Invitae Variant Classification Sherloc (09022015). Collection method: clinical testing. Allele origin: germline.
Comment: This sequence change replaces alanine, which is neutral and non-polar, with valine, which is neutral and non-polar, at codon 1322 of the MAST1 protein (p.Ala1322Val). This variant is present in population databases (no rsID available, gnomAD 0.004%). This variant has not been reported in the literature in individuals affected with MAST1-related conditions. An algorithm developed to predict the effect of missense changes on protein structure and function outputs the following: PolyPhen-2: "Benign". The valine amino acid residue is found in multiple mammalian species, which suggests that this missense change does not adversely affect protein function. In summary, the available evidence is currently insufficient to determine the role of this variant in disease. Therefore, it has been classified as a Variant of Uncertain Significance.

NM_014975.3(MAST1):c.3965C>T (p.Ala1322Val)

Gene: MAST1 (microtubule associated serine/threonine kinase 1; plus strand). Cytogenetic location: 19p13.13.
Variant type: single nucleotide variant.
Coding change: c.3965C>T on transcript NM_014975.3 (MANE Select); coding-DNA position 3965, C replaced by T.
Protein change: p.Ala1322Val; replaces alanine 1322 with valine.
Molecular consequence: missense variant.
Genome position (GRCh38, 1-based): chr19:12,874,122, C>T. VCF-style: chr19-12874122-C-T. GRCh37 (hg19) VCF-style: chr19-12984936-C-T.
Other names: short protein forms A1322V.
Identifiers: ClinVar variation 3700561 (VCV003700561.2).